The following continues an entry in ClinVar:

NM_001005242.3(PKP2):c.1511del (p.Gly504fs)

Gene: PKP2. ClinVar aggregate classification (germline): Pathogenic. Pathogenic (16).

Submissions 8 to 16 of 16:

Color Diagnostics, LLC DBA Color Health
Classification: Pathogenic for Cardiomyopathy. Last evaluated: 2023-01-03. Review status: criteria provided, single submitter. Criteria: ACMG Guidelines, 2015. Collection method: clinical testing. Allele origin: germline.
Comment: This variant deletes 1 nucleotide in exon 7 of the PKP2 gene, creating a frameshift and premature translation stop signal. This variant is expected to result in an absent or non-functional protein product. This variant has been reported in over ten unrelated individuals affected with arrhythmogenic cardiomyopathy (15489853, 20152563, 20400443, 23810883, 24704780, 24967631, 28588093, 29940860, 30790397, 31702781). It has been shown that this variant segregates with disease in at least two of these families (PMID: 17010805, 24704780). This variant has not been identified in the general population by the Genome Aggregation Database (gnomAD). Loss of PKP2 function is a known mechanism of disease. Based on the available evidence, this variant is classified as Pathogenic.

Blueprint Genetics
Classification: Pathogenic for PKP2-related disorders. Last evaluated: 2021-06-30. Review status: criteria provided, single submitter. Criteria: ACMG Guidelines, 2015. Collection method: clinical testing. Allele origin: germline. Affected: yes. Observed: 1 variant allele.

Athena Diagnostics
Classification: Pathogenic. Last evaluated: 2020-10-08. Review status: criteria provided, single submitter. Criteria: Athena Diagnostics Criteria. Collection method: clinical testing. Allele origin: unknown.
Comment: This variant is expected to result in the loss of a functional protein. This variant has not been reported in large, multi-ethnic general populations. This variant has been identified in multiple unrelated individuals with clinical features associated with this gene.

Women's Health and Genetics/Laboratory Corporation of America, LabCorp
Classification: Pathogenic for Arrhythmogenic right ventricular dysplasia/cardiomyopathy. Last evaluated: 2020-09-08. Review status: criteria provided, single submitter. Criteria: LabCorp Variant Classification Summary - May 2015. Collection method: clinical testing. Allele origin: germline.
Comment: Variant summary: PKP2 c.1643delG (p.Gly548ValfsX15) results in a premature termination codon, predicted to cause a truncation of the encoded protein or absence of the protein due to nonsense mediated decay, which are commonly known mechanisms for disease. The variant was absent in 251310 control chromosomes (gnomAD). c.1643delG has been reported in the literature in multiple individuals affected with Arrhythmogenic Right Ventricular Dysplasia/Cardiomyopathy (example: Hermida_2019, Hoorntje_2018, Segura-Rodriguez_2019). These data indicate that the variant is very likely to be associated with disease. To our knowledge, no experimental evidence demonstrating an impact on protein function has been reported. Five ClinVar submitters (evaluation after 2014) cite the variant as pathogenic. Based on the evidence outlined above, the variant was classified as pathogenic.

ARUP Laboratories, Molecular Genetics and Genomics, ARUP Laboratories
Classification: Pathogenic for Arrhythmogenic right ventricular dysplasia 9. Last evaluated: 2019-10-05. Review status: criteria provided, single submitter. Criteria: ARUP Molecular Germline Variant Investigation Process. Collection method: clinical testing. Allele origin: germline.
Comment: The PKP2 c.1643delG; p.Gly548fs variant (rs794729137), also published as 1642delG, is reported in the literature in multiple individuals affected with arrhythmogenic right ventricular cardiomyopathy (ARVC) (Alcalde 2014, Dalal 2006, den Haan 2009, Gerull 2004). This variant occurred in all affected members of a kindred with ARVC, though it was also found in several asymptomatic individuals, suggesting incomplete penetrance (Dalal 2006). This variant is absent from general population databases (Exome Variant Server, Genome Aggregation Database), indicating it is not a common polymorphism. This variant causes a frameshift by deleting a single nucleotide, so it is predicted to result in a truncated protein or mRNA subject to nonsense-mediated decay. Based on available information, this variant is considered to be pathogenic. References: Alcalde M et al. Stop-gain mutations in PKP2 are associated with a later age of onset of arrhythmogenic right ventricular cardiomyopathy. PLoS One. 2014 Jun 26;9(6):e100560. Dalal D et al. Penetrance of mutations in plakophilin-2 among families with arrhythmogenic right ventricular dysplasia/cardiomyopathy. J Am Coll Cardiol. 2006 Oct 3;48(7):1416-24. den Haan AD et al. Comprehensive desmosome mutation analysis in north americans with arrhythmogenic right ventricular dysplasia/cardiomyopathy. Circ Cardiovasc Genet. 2009 Oct;2(5):428-35. Gerull B et al. Mutations in the desmosomal protein plakophilin-2 are common in arrhythmogenic right ventricular cardiomyopathy. Nat Genet. 2004 Nov;36(11):1162-4.

Human Genome Sequencing Center Clinical Lab, Baylor College of Medicine
Classification: Pathogenic for Arrhythmogenic right ventricular dysplasia, type 9. Last evaluated: 2018-10-08. Review status: criteria provided, single submitter. Criteria: ACMG Guidelines, 2015. Collection method: clinical testing. Allele origin: germline.
Comment: The c.1643delG (p.Gly548Valfs*15) frameshift variant in the PKP2 gene is predicted to introduce a premature translation termination codon. It has been reported in multiple unrelated patients with arrhythmogenic right ventricular cardiomyopathy (ARVC) [PMID 15489853, 17010805, 19358943, 20152563, 20400443, 21723241, 23810883, 24967631].Therefore, this c.1643delG (p.Gly548Valfs*15) variant in the PKP2 gene is classified as pathogenic.

Laboratory for Molecular Medicine, Mass General Brigham Personalized Medicine
Classification: Pathogenic for Arrhythmogenic right ventricular cardiomyopathy. Last evaluated: 2018-07-05. Review status: criteria provided, single submitter. Criteria: LMM Criteria. Collection method: clinical testing. Allele origin: germline. Inheritance: Autosomal dominant inheritance. Observed: 2 variant alleles.
Comment: The p.Gly548ValfsX15 variant in PKP2 has been reported in at least 7 individuals with either possible or definitive diagnosis of ARVC and segregated with diseas e in 1 affected relative (Gerull 2004, Dalal 2006, Perrin 2013, Fressart 2010, D alal 2006, LMM data). This variant is absent from large population studies. This variant is predicted to cause a frameshift, which alters the protein?s amino ac id sequence beginning at position 548 and leads to a premature termination codon 15 amino acids downstream. This alteration is then predicted to lead to a trunc ated or absent protein. Heterozygous loss of function of the PKP2 gene is an est ablished disease mechanism in ARVC. In summary, this variant is pathogenic in an autosomal dominant manner. ACMG/AMP Criteria applied: PVS1, PS4_Moderate, PM2.

Equipe Genetique des Anomalies du Developpement, Université de Bourgogne
Classification: Pathogenic for Arrhythmogenic right ventricular dysplasia 9. Last evaluated: 2017-10-06. Review status: criteria provided, single submitter. Criteria: ACMG Guidelines, 2015. Collection method: clinical testing. Allele origin: unknown. Affected: yes. Study: Clinvar_gadteam_Clinical_exome_analysis_3.

Clinical Genetics Service, Universitary Hospital 12 de Octubre
Classification: Pathogenic for Arrhythmogenic right ventricular dysplasia 9. Review status: criteria provided, single submitter. Criteria: ACMG Guidelines, 2015. Collection method: clinical testing. Allele origin: germline. Affected: yes.

Literature cited by the submitters: PubMed 15489853 (cited by 5 submitters); PubMed 17041889 (cited by Labcorp Genetics (formerly Invitae), Labcorp); PubMed 23911551 (cited by Labcorp Genetics (formerly Invitae), Labcorp); PubMed 17010805 (cited by 6 submitters); PubMed 20031617 (cited by 3 submitters); PubMed 20400443 (cited by 3 submitters); PubMed 24070718 (cited by Labcorp Genetics (formerly Invitae), Labcorp); PubMed 24704780 (cited by 4 submitters); PubMed 24967631 (cited by 3 submitters); PubMed 23183494 (cited by Victorian Clinical Genetics Services, Murdoch Childrens Research Institute); PubMed 36008935 (cited by Victorian Clinical Genetics Services, Murdoch Childrens Research Institute); PubMed 20152563 (cited by Ambry Genetics); PubMed 23810894 (cited by Ambry Genetics); PubMed 26850880 (cited by Ambry Genetics); PubMed 28588093 (cited by Ambry Genetics); PubMed 29940860 (cited by Ambry Genetics); PubMed 29606362 (cited by All of Us Research Program, National Institutes of Health); PubMed 32102357 (cited by All of Us Research Program, National Institutes of Health); PubMed 33652588 (cited by All of Us Research Program, National Institutes of Health); PubMed 34134068 (cited by All of Us Research Program, National Institutes of Health); PubMed 35712781 (cited by All of Us Research Program, National Institutes of Health); PubMed 36136372 (cited by North West Genomic Laboratory Hub, Manchester University NHS Foundation Trust and Illumina Laboratory Services, Illumina); PubMed 35536239 (cited by North West Genomic Laboratory Hub, Manchester University NHS Foundation Trust); PubMed 35819174 (cited by North West Genomic Laboratory Hub, Manchester University NHS Foundation Trust and Illumina Laboratory Services, Illumina); PubMed 31447099 (cited by North West Genomic Laboratory Hub, Manchester University NHS Foundation Trust); PubMed 31402444 (cited by North West Genomic Laboratory Hub, Manchester University NHS Foundation Trust); PubMed 31386562 (cited by North West Genomic Laboratory Hub, Manchester University NHS Foundation Trust and Illumina Laboratory Services, Illumina); PubMed 30790397 (cited by North West Genomic Laboratory Hub, Manchester University NHS Foundation Trust and Women's Health and Genetics/Laboratory Corporation of America, LabCorp); PubMed 30161220 (cited by Women's Health and Genetics/Laboratory Corporation of America, LabCorp); PubMed 31702781 (cited by Women's Health and Genetics/Laboratory Corporation of America, LabCorp); PubMed 19358943 (cited by Laboratory for Molecular Medicine, Mass General Brigham Personalized Medicine); PubMed 23810883 (cited by Laboratory for Molecular Medicine, Mass General Brigham Personalized Medicine).